The following is an entry in ClinVar:

ClinVar aggregate classification (germline): Conflicting classifications of pathogenicity. Review status: criteria provided, conflicting classifications (1 of 4 stars). 2 submissions from 2 submitters: Uncertain significance (1); Likely benign (1). Last evaluated 2024-09-15.

Conditions:
Charcot-Marie-Tooth disease axonal type 2O. Also called: CHARCOT-MARIE-TOOTH NEUROPATHY, AXONAL, TYPE 2O; CHARCOT-MARIE-TOOTH DISEASE, AXONAL, AUTOSOMAL DOMINANT, TYPE 2O; Charcot-Marie-Tooth Neuropathy Type 2O; Charcot-Marie-Tooth disease, axonal, type 20. Identifiers: Orphanet 284232, MedGen C3280220, MONDO:0013644, OMIM 614228.
Cortical dysplasia, complex, with other brain malformations 13. Also called: Intellectual disability, autosomal dominant 13. Identifiers: MedGen C3281202, MONDO:0013805, OMIM 614563.

Allele frequency attached by ClinVar (database versions not stated): gnomAD exomes below 0.00001 and 0.00001; TOPMed 0.00001.

Submissions (2):

Labcorp Genetics (formerly Invitae), Labcorp
Classification: Likely benign for Charcot-Marie-Tooth disease axonal type 2O. Last evaluated: 2024-09-15. Review status: criteria provided, single submitter. Criteria: Invitae Variant Classification Sherloc (09022015). Collection method: clinical testing. Allele origin: germline.

Baylor Genetics
Classification: Uncertain significance for Cortical dysplasia, complex, with other brain malformations 13. Last evaluated: 2018-11-03. Review status: criteria provided, single submitter. Criteria: ACMG Guidelines, 2015. Collection method: clinical testing. Allele origin: unknown. Affected: yes.
Comment: This variant was determined to be of uncertain significance according to ACMG Guidelines, 2015 [PMID:25741868].

NM_001376.5(DYNC1H1):c.10878A>G (p.Ala3626=)

Gene: DYNC1H1 (dynein cytoplasmic 1 heavy chain 1; plus strand). Cytogenetic location: 14q32.31.
Variant type: single nucleotide variant.
Coding change: c.10878A>G on transcript NM_001376.5 (MANE Select); coding-DNA position 10878, A replaced by G.
Protein change: p.Ala3626=; no amino-acid change (alanine 3626 retained).
Molecular consequence: synonymous variant.
Genome position (GRCh38, 1-based): chr14:102,036,612, A>G. VCF-style: chr14-102036612-A-G. GRCh37 (hg19) VCF-style: chr14-102502949-A-G.
Identifiers: ClinVar variation 698624 (VCV000698624.12), dbSNP rs1407178236, ClinGen allele CA487967984.